The following is an entry in ClinVar:

NM_001165963.4(SCN1A):c.5233A>T (p.Lys1745Ter)

Genes: SCN1A (sodium voltage-gated channel alpha subunit 1; minus strand), LOC102724058 (uncharacterized LOC102724058; plus strand). Cytogenetic location: 2q24.3.
Variant type: single nucleotide variant.
Coding change: c.5233A>T on transcript NM_001165963.4 (MANE Select); coding-DNA position 5233, A replaced by T.
Protein change: p.Lys1745Ter; replaces lysine 1745 with a stop codon.
Molecular consequence: nonsense. On other transcripts: non-coding transcript variant (1).
Genome position (GRCh38, 1-based): chr2:165,992,042, T>A on the plus strand (A>T on the coding strand, the complement: SCN1A is on the minus strand). VCF-style: chr2-165992042-T-A. GRCh37 (hg19) VCF-style: chr2-166848552-T-A.
Other names: c.5149A>T, p.Lys1717Ter (NM_001165964.3, NM_001353957.2, NM_001353958.2); c.5233A>T, p.Lys1745Ter (NM_001202435.3, NM_001353948.2); c.5200A>T, p.Lys1734Ter (NM_001353949.2, NM_001353950.2, NM_001353951.2 and 2 more transcripts); c.5197A>T, p.Lys1733Ter (NM_001353954.2, NM_001353955.2); c.5146A>T, p.Lys1716Ter (NM_001353960.2); c.2791A>T, p.Lys931Ter (NM_001353961.2); short protein forms K1716*, K1717*, K1733*, K1734*, K1745*, K931*.
Identifiers: ClinVar variation 2682571 (VCV002682571.1), dbSNP rs1553520268, ClinGen allele CA349068460.
Genomic context (GRCh38, chr2:165,992,042, plus strand): 5'-AGAAAATTCCAACAGATGGGTTCCCACAGTCTCCCTTAACTGAGCTTCCAGGGTTAACTT[T>A]ATTAGGGTCACAGTCGGGTGGCTTACTGTTGAGAATGGGTGCTAGCAATCCATCCCAGCC-3'

ClinVar aggregate classification (germline): Pathogenic (1 of 4 stars; one submission).

Conditions:
Autosomal dominant epilepsy.

Submission:

Women's Health and Genetics/Laboratory Corporation of America, LabCorp
Classification: Pathogenic. Last evaluated: 2023-11-16. Review status: criteria provided, single submitter. Criteria: LabCorp Variant Classification Summary - May 2015. Collection method: clinical testing. Allele origin: germline.
Comment: Variant summary: SCN1A c.5233A>T (p.Lys1745X) results in a premature termination codon, predicted to cause a truncation of the encoded protein or absence of the protein due to nonsense mediated decay, which are commonly known mechanisms for disease. Variants downstream of this position have been classified as pathogenic by our laboratory and in ClinVar. The variant was absent in 251268 control chromosomes (gnomAD). To our knowledge, no occurrence of c.5233A>T in individuals affected with SCN1A-Related Seizure Disorder and no experimental evidence demonstrating its impact on protein function have been reported. No submitters have cited clinical-significance assessments for this variant to ClinVar after 2014. Based on the evidence outlined above, the variant was classified as pathogenic.